The following is an entry in ClinVar:

NM_001384732.1(CPLANE1):c.8872C>T (p.Arg2958Ter)

Gene: CPLANE1 (ciliogenesis and planar polarity effector complex subunit 1; minus strand). Cytogenetic location: 5p13.2.
Variant type: single nucleotide variant.
Coding change: c.8872C>T on transcript NM_001384732.1 (MANE Select); coding-DNA position 8872, C replaced by T.
Protein change: p.Arg2958Ter; replaces arginine 2958 with a stop codon.
Molecular consequence: nonsense.
Genome position (GRCh38, 1-based): chr5:37,125,330, G>A on the plus strand (C>T on the coding strand, the complement: CPLANE1 is on the minus strand). VCF-style: chr5-37125330-G-A. GRCh37 (hg19) VCF-style: chr5-37125432-G-A.
Other names: c.8710C>T, p.Arg2904Ter (NM_023073.4); short protein forms R2904*, R2958*.
Identifiers: ClinVar variation 217571 (VCV000217571.20), dbSNP rs141507441, ClinGen allele CA277713.
Genomic context (GRCh38, chr5:37,125,330, plus strand): 5'-CATGTTCTTGCCCTCTCTTTTCTGCCAGCTCATTTAAGTACTTTGCCATTCTTTCTTTTC[G>A]TTTTCTTTTCATCCAGGCTTGAATCTCTCTTCTTTCCTTGTCAGTTCTTTGTGAATGTCT-3'

ClinVar aggregate classification (germline): Pathogenic. Review status: criteria provided, multiple submitters, no conflicts (2 of 4 stars). 10 submissions from 10 submitters: Pathogenic (8). 2 of the submissions do not count toward it. Last evaluated 2026-01-11.

Conditions:
C5ORF42 & CPLANE1-related disorders.
Orofaciodigital syndrome type 6 (OFD6). Also called: Central polydactyly cleft lip/palate or lingual lump and psychomotor retardation; Y-shaped central metacarpal and cerebellar defect; Joubert syndrome with orofacialdigital anomalies; OROFACIODIGITAL SYNDROME VI; OFDS VI; POLYDACTYLY, CLEFT LIP/PALATE OR LINGUAL LUMP, AND PSYCHOMOTOR RETARDATION. Identifiers: Orphanet 2754, MedGen C2745997, MONDO:0010176, OMIM 277170.
Joubert syndrome 17 (JBTS17). Identifiers: Orphanet 475, MedGen C3553264, MONDO:0013824, OMIM 614615.
Inborn genetic diseases. Identifiers: MedGen C0950123, MeSH D030342.

Allele frequency attached by ClinVar (database versions not stated): gnomAD exomes 0.00003; TOPMed 0.00003; ExAC 0.00004; gnomAD 0.00004; ESP Exome Variant Server 0.00008.
gnomAD v4.1: 55 of 1,613,420 alleles (0.0034%); highest among the groups gnomAD compares: Non-Finnish European, 0.0043%; no homozygotes.

Submissions (10):

Labcorp Genetics (formerly Invitae), Labcorp
Classification: Pathogenic. Last evaluated: 2026-01-11. Review status: criteria provided, single submitter. Criteria: Invitae Variant Classification Sherloc (09022015). Collection method: clinical testing. Allele origin: germline.
Comment: This sequence change creates a premature translational stop signal (p.Arg2904*) in the CPLANE1 gene. It is expected to result in an absent or disrupted protein product. Loss-of-function variants in CPLANE1 are known to be pathogenic (PMID: 24178751, 26092869). This variant is present in population databases (rs141507441, gnomAD 0.004%). This premature translational stop signal has been observed in individual(s) with Joubert syndrome (PMID: 25920555, 26092869). ClinVar contains an entry for this variant (Variation ID: 217571). For these reasons, this variant has been classified as Pathogenic.

Blueprint Genetics
Classification: Pathogenic for C5ORF42 & CPLANE1-related disorders. Last evaluated: 2024-05-20. Review status: criteria provided, single submitter. Criteria: ACMG Guidelines, 2015. Collection method: clinical testing. Allele origin: germline. Affected: yes. Observed: 5 variant alleles.

Neuberg Centre For Genomic Medicine, NCGM
Classification: Pathogenic for Joubert syndrome 17. Last evaluated: 2023-06-22. Review status: criteria provided, single submitter. Criteria: ACMG Guidelines, 2015. Collection method: clinical testing. Allele origin: germline. Inheritance: Autosomal recessive inheritance. Affected: yes.
Comment: The stop gained c.8872C>T (p.Arg2958Ter) variant in the CPLANE1 gene has been observed in individual(s) with Joubert syndrome (Bachmann-Gagescu, R et al., 2015). This variant is reported with the allele frequency (0.003%) in the gnomAD Exomes. It is submitted to ClinVar as Pathogenic (multiple submissions). This variant is predicted to cause loss of normal protein function either through protein truncation or nonsense-mediated mRNA decay. Computational evidence (MutationTaster - Disease causing) predicts damaging effect on protein structure and function for this variant. The nucleotide change c.8872C>T in CPLANE1 is predicted as conserved by GERP++ and PhyloP across 100 vertebrates. Loss of function variants have been previously reported to be disease causing. For these reasons, this variant has been classified as Pathogenic. In the absence of another reportable variant, the molecular diagnosis is not confirmed.

GeneDx
Classification: Pathogenic. Last evaluated: 2022-10-14. Review status: criteria provided, single submitter. Criteria: GeneDx Variant Classification Process June 2021. Collection method: clinical testing. Allele origin: germline. Affected: yes.
Comment: Nonsense variant predicted to result in protein truncation or nonsense mediated decay in a gene for which loss-of-function is a known mechanism of disease; Not observed at significant frequency in large population cohorts (gnomAD); This variant is associated with the following publications: (PMID: 30408610, 31130284, 32233090, 25920555)

Fulgent Genetics
Classification: Pathogenic for Orofaciodigital syndrome type 6; Joubert syndrome 17. Last evaluated: 2022-04-11. Review status: criteria provided, single submitter. Criteria: ACMG Guidelines, 2015. Collection method: clinical testing. Allele origin: unknown.

Ambry Genetics
Classification: Pathogenic for Inborn genetic diseases. Last evaluated: 2021-08-31. Review status: criteria provided, single submitter. Criteria: Ambry Variant Classification Scheme 2023. Collection method: clinical testing. Allele origin: germline.
Comment: The c.8710C>T (p.R2904*) alteration, located in exon 46 (coding exon 45) of the C5orf42 gene, consists of a C to T substitution at nucleotide position 8710. This changes the amino acid from a arginine (R) to a stop codon at amino acid position 2904. This alteration is expected to result in loss of function by premature protein truncation or nonsense-mediated mRNA decay. This mutation has been reported in the homozygous or compound heterozygous state in several individuals with a diagnosis of CPLANE1-related ciliopathy (Kroes, 2016; Monies, 2019; Liu, 2020). Based on the available evidence, this alteration is classified as pathogenic.

Victorian Clinical Genetics Services, Murdoch Childrens Research Institute
Classification: Pathogenic for Joubert syndrome 17. Last evaluated: 2021-05-06. Review status: criteria provided, single submitter. Criteria: ACMG Guidelines, 2015. Collection method: clinical testing. Allele origin: germline. Inheritance: Autosomal recessive inheritance.
Comment: Based on the classification scheme VCGS_Germline_v1.3.4, this variant is classified as Pathogenic. Following criteria are met: 0102 - Loss of function is a likely mechanism of disease in this gene and is associated with Joubert syndrome 17 (MIM#614615) and orofaciodigital syndrome VI (MIM#277170) (OMIM). (I) 0106 - This gene is associated with autosomal recessive disease. (I) 0201 - Variant is predicted to cause nonsense-mediated decay (NMD) and loss of protein (premature termination codon is located at least 54 nucleotides upstream of the final exon-exon junction). (SP) 0251 - This variant is heterozygous. (I) 0304 - Variant is present in gnomAD <0.01 for a recessive condition (v2: 9 heterozygotes, 0 homozygotes). (SP) 0701 - Other NMD-predicted variants comparable to the one identified in this case have very strong previous evidence for pathogenicity. There are at least nine pathogenic NMD-predicted variants that have been previously reported (ClinVar, Decipher, PMID: 29605658) (SP) 0801 - This variant has strong previous evidence of pathogenicity in unrelated individuals. This variant has been reported in five individuals diagnosed with Joubert syndrome or skeletal dysplasia (ClinVar, PMIDs: 25920555; 30408610; 32233090). (SP) 0905 - No published segregation evidence has been identified for this variant. (I) 1007 - No published functional evidence has been identified for this variant. (I) 1201 - Heterozygous variant detected in trans with a second pathogenic heterozygous variant (NM_023073.3 (CPLANE1): c.2932C>T; p.A(rg978*)) in a recessive disease. (I) Legend: (SP) - Supporting pathogenic, (I) - Information, (SB) - Supporting benign

UW Hindbrain Malformation Research Program, University of Washington
Classification: Pathogenic for Joubert syndrome 17. Last evaluated: 2015-02-23. Review status: criteria provided, single submitter. Criteria: Bachmann-Gagescu et al. (J Med Genet. 2015). Collection method: research. Allele origin: unknown. Affected: yes.

Genetic Services Laboratory, University of Chicago
Classification: Pathogenic. Last evaluated: 2022-05-01. Review status: no assertion criteria provided. Collection method: clinical testing. Allele origin: germline. Affected: yes. Not counted in ClinVar's aggregate classification.
Comment: DNA sequence analysis of the CPLANE1 gene demonstrated a sequence change, c.8710C>T, in exon 46 that results in the creation of a premature stop codon at amino acid position 2904, p.Arg2904*. This sequence change is predicted to result in an abnormal transcript, which may be degraded, or may lead to the production of a truncated CPLANE1 protein with potentially abnormal function. This sequence change has been described in the gnomAD database with a frequency of 0.0057% in the Latino/Admixed American subpopulation (dbSNP rs141507441). This pathogenic sequence change has previously been described in several individuals with CPLANE1-related disorders in the homozygous or compound heterozygous state (PMID: 25920555, 32233090). Pathogenic variants in CPLANE1 are associated with autosomal recessive Joubert syndrome and autosomal recessive Orofaciodigital syndrome VI [OMIM# 614571]. The CPLANE1 cDNA reference sequence used is NM_023073.3.

GeneReviews
No classification provided. Condition: Joubert syndrome 17. Review status: no classification provided. Collection method: literature only. Allele origin: germline. Not counted in ClinVar's aggregate classification.

Literature cited by the submitters: PubMed 24178751 (cited by Labcorp Genetics (formerly Invitae), Labcorp); PubMed 26092869 (cited by Labcorp Genetics (formerly Invitae), Labcorp); PubMed 25920555 (cited by 3 submitters); PubMed 31130284 (cited by Ambry Genetics); PubMed 32233090 (cited by Ambry Genetics and Victorian Clinical Genetics Services, Murdoch Childrens Research Institute); PubMed 29605658 (cited by Victorian Clinical Genetics Services, Murdoch Childrens Research Institute); PubMed 30408610 (cited by Victorian Clinical Genetics Services, Murdoch Childrens Research Institute); NCBI Bookshelf NBK1325 (cited by GeneReviews); PubMed 20301500 (cited by GeneReviews).